The following is an entry in ClinVar:

ClinVar aggregate classification (germline): Uncertain significance. Review status: criteria provided, multiple submitters, no conflicts (2 of 4 stars). 2 submissions from 2 submitters: Uncertain significance (2). Last evaluated 2025-05-05.

Conditions:
CUBN-related disorder. Also called: CUBN-related condition.
Imerslund-Grasbeck syndrome. Also called: Imerslund-Gräsbeck syndrome; ENTEROCYTE COBALAMIN MALABSORPTION; ENTEROCYTE INTRINSIC FACTOR RECEPTOR, DEFECT OF; PERNICIOUS ANEMIA, JUVENILE, DUE TO SELECTIVE INTESTINAL MALABSORPTION OF VITAMIN B12, WITH PROTEINURIA; Megaloblastic anemia due to inborn errors of metabolism. Identifiers: Orphanet 35858, MedGen C4551825, MONDO:0009853.

Allele frequency attached by ClinVar (database versions not stated): gnomAD 0.00001; gnomAD exomes 0.00001; TOPMed 0.00001.
gnomAD v4.1: 6 of 1,612,554 alleles (0.00037%); highest among the groups gnomAD compares: Admixed American, 0.0083%; no homozygotes.

Submissions (2):

Labcorp Genetics (formerly Invitae), Labcorp
Classification: Uncertain significance for Imerslund-Grasbeck syndrome. Last evaluated: 2025-05-05. Review status: criteria provided, single submitter. Criteria: Invitae Variant Classification Sherloc (09022015). Collection method: clinical testing. Allele origin: germline.
Comment: This sequence change replaces glutamic acid, which is acidic and polar, with aspartic acid, which is acidic and polar, at codon 584 of the CUBN protein (p.Glu584Asp). This variant is present in population databases (no rsID available, gnomAD 0.01%). This variant has not been reported in the literature in individuals affected with CUBN-related conditions. ClinVar contains an entry for this variant (Variation ID: 2156161). Invitae Evidence Modeling of protein sequence and biophysical properties (such as structural, functional, and spatial information, amino acid conservation, physicochemical variation, residue mobility, and thermodynamic stability) indicates that this missense variant is expected to disrupt CUBN protein function with a positive predictive value of 80%. In summary, the available evidence is currently insufficient to determine the role of this variant in disease. Therefore, it has been classified as a Variant of Uncertain Significance.

PreventionGenetics, part of Exact Sciences
Classification: Uncertain significance for CUBN-related condition. Last evaluated: 2025-04-22. Review status: criteria provided, single submitter. Criteria: ACMG Guidelines, 2015. Collection method: clinical testing. Allele origin: germline.
Comment: The CUBN c.1752A>T variant is predicted to result in the amino acid substitution p.Glu584Asp. To our knowledge, this variant has not been reported in the literature. This variant is reported in 0.014% of alleles in individuals of Latino descent in gnomAD. At this time, the clinical significance of this variant is uncertain due to the absence of conclusive functional and genetic evidence.

NM_001081.4(CUBN):c.1752A>T (p.Glu584Asp)

Gene: CUBN (cubilin; minus strand). Cytogenetic location: 10p13.
Variant type: single nucleotide variant.
Coding change: c.1752A>T on transcript NM_001081.4 (MANE Select); coding-DNA position 1752, A replaced by T.
Protein change: p.Glu584Asp; replaces glutamic acid 584 with aspartic acid.
Molecular consequence: missense variant.
Genome position (GRCh38, 1-based): chr10:17,100,018, T>A on the plus strand (A>T on the coding strand, the complement: CUBN is on the minus strand). VCF-style: chr10-17100018-T-A. GRCh37 (hg19) VCF-style: chr10-17142017-T-A.
Other names: short protein forms E584D.
Identifiers: ClinVar variation 2156161 (VCV002156161.5), dbSNP rs1204616433, ClinGen allele CA376156710.